The following is an entry in ClinVar:

ClinVar aggregate classification (germline): Pathogenic. Review status: no assertion criteria provided (0 of 4 stars). 2 submissions from 1 submitter: Pathogenic (2). Last evaluated 2007-01-01.

Conditions:
Triphalangeal thumb (TPT). Identifiers: MedGen C0241397, HP:0001199.
Polydactyly of a triphalangeal thumb. Also called: Polydactyly, preaxial type II; POLYDACTYLY OF TRIPHALANGEAL THUMB; TRIPHALANGEAL THUMB-POLYDACTYLY SYNDROME. Identifiers: Orphanet 2439, Orphanet 2950, Orphanet 93336, MedGen C1868114, MONDO:0008270, OMIM 174500.

Submissions (2):

OMIM
Classification: Pathogenic for POLYDACTYLY, PREAXIAL II. Last evaluated: 2007-01-01. Review status: no assertion criteria provided. Collection method: literature only. Allele origin: germline.

OMIM
Classification: Pathogenic for TRIPHALANGEAL THUMB. Last evaluated: 2007-01-01. Review status: no assertion criteria provided. Collection method: literature only. Allele origin: germline.

Literature cited by the submitters: PubMed 10937618; PubMed 17152067; PubMed 32169219.

NM_022458.4(LMBR1):c.423+5134C>G

Genes: ZRS (ZPA regulatory sequence; plus strand), LMBR1 (limb development membrane protein 1; minus strand). Cytogenetic location: 7q36.3.
Variant type: single nucleotide variant.
Coding change: c.423+5134C>G on transcript NM_022458.4 (MANE Select); 5134 bases into the intron after coding-DNA position 423, C replaced by G.
Molecular consequence: intron variant.
Genome position (GRCh38, 1-based): chr7:156,791,255, G>C on the plus strand (C>G on the coding strand, the complement: LMBR1 is on the minus strand). VCF-style: chr7-156791255-G-C. GRCh37 (hg19) VCF-style: chr7-156583949-G-C.
Other names: 621C-G; c.360+5134C>G (NM_001363412.2); c.144+5134C>G (NM_001350954.2); c.423+5134C>G (NM_001363410.2, NM_001363409.2, NM_001350953.2); c.-112+5134C>G (NM_001350958.2, NM_001350956.2, NM_001350955.2 and 1 more transcripts); c.54+5134C>G (NM_001350957.2, NM_001363411.2).
Identifiers: ClinVar variation 4903 (VCV000004903.5), dbSNP rs606231151, ClinGen allele CA117136.